The following is an entry in ClinVar:

ClinVar aggregate classification (germline): Likely pathogenic (1 of 4 stars; one submission).

Conditions:
Epidermolysis bullosa simplex 3, localized or generalized intermediate, with BP230 deficiency (EBS3). Also called: Epidermolysis bullosa simplex, autosomal recessive 2; Epidermolysis bullosa simplex due to BP230 deficiency. Identifiers: Orphanet 412181, MedGen C3809470, MONDO:0014180, OMIM 615425.
Hereditary sensory and autonomic neuropathy type 6. Also called: HSAN VI; Neuropathy, hereditary sensory and autonomic, type VI. Identifiers: Orphanet 314381, MedGen C3539003, MONDO:0013839, OMIM 614653.

Submission:

Labcorp Genetics (formerly Invitae), Labcorp
Classification: Likely pathogenic for Epidermolysis bullosa simplex 3, localized or generalized intermediate, with BP230 deficiency; Hereditary sensory and autonomic neuropathy type 6. Last evaluated: 2025-11-03. Review status: criteria provided, single submitter. Criteria: Invitae Variant Classification Sherloc (09022015). Collection method: clinical testing. Allele origin: germline.
Comment: This sequence change affects an acceptor splice site in intron 13 of the DST gene. It is expected to disrupt RNA splicing. Variants that disrupt the donor or acceptor splice site typically lead to a loss of protein function (PMID: 16199547), and loss-of-function variants in DST are known to be pathogenic (PMID: 22522446, 25059916, 30371979). This variant is not present in population databases (gnomAD no frequency). This variant has not been reported in the literature in individuals affected with DST-related conditions. Algorithms developed to predict the effect of sequence changes on RNA splicing suggest that this variant may disrupt the consensus splice site. In summary, the currently available evidence indicates that the variant is pathogenic, but additional data are needed to prove that conclusively. Therefore, this variant has been classified as Likely Pathogenic.

Literature cited by the submitters: PubMed 16199547; PubMed 22522446; PubMed 25059916; PubMed 30371979.

NM_001374736.1(DST):c.3622-2A>G

Gene: DST (dystonin; minus strand). Cytogenetic location: 6p12.1.
Variant type: single nucleotide variant.
Coding change: c.3622-2A>G on transcript NM_001374736.1 (MANE Select); the canonical splice acceptor site of the intron before coding-DNA position 3622, A replaced by G.
Molecular consequence: splice acceptor variant.
Genome position (GRCh38, 1-based): chr6:56,633,039, T>C on the plus strand (A>G on the coding strand, the complement: DST is on the minus strand). VCF-style: chr6-56633039-T-C. GRCh37 (hg19) VCF-style: chr6-56497837-T-C.
Other names: c.3523-2A>G (NM_001144769.5); c.3622-2A>G (NM_001374722.1); c.3649-2A>G (NM_001374734.1); c.3109-2A>G (NM_001144770.2); c.2989-2A>G (NM_001374730.1, NM_001386100.1, NM_183380.4 and 1 more transcripts); c.2011-2A>G (NM_015548.5, NM_001723.7).
Identifiers: ClinVar variation 4792031 (VCV004792031.1).